The following is an entry in ClinVar:

NM_021098.3(CACNA1H):c.2452-13C>A

Gene: CACNA1H (calcium voltage-gated channel subunit alpha1 H; plus strand). Cytogenetic location: 16p13.3.
Variant type: single nucleotide variant.
Coding change: c.2452-13C>A on transcript NM_021098.3 (MANE Select); 13 bases into the intron before coding-DNA position 2452, C replaced by A.
Molecular consequence: intron variant.
Genome position (GRCh38, 1-based): chr16:1,205,101, C>A. VCF-style: chr16-1205101-C-A. GRCh37 (hg19) VCF-style: chr16-1255101-C-A.
Other names: c.2452-13C>A (NM_001005407.2).
Identifiers: ClinVar variation 3769329 (VCV003769329.2).

ClinVar aggregate classification (germline): Likely benign (1 of 4 stars; one submission).

gnomAD v4.1: 4 of 1,608,088 alleles (0.00025%); highest among the groups gnomAD compares: African/African-American, 0.0013%; 1 homozygote.

Submission:

Women's Health and Genetics/Laboratory Corporation of America, LabCorp
Classification: Likely benign. Last evaluated: 2025-01-02. Review status: criteria provided, single submitter. Criteria: LabCorp Variant Classification Summary - May 2015. Collection method: clinical testing. Allele origin: germline.
Comment: Variant summary: CACNA1H c.2452-13C>A alters a non-conserved nucleotide located at a position not widely known to affect splicing. Consensus agreement among computation tools predict no significant impact on normal splicing. However, these predictions have yet to be confirmed by functional studies. The frequency data for this variant in gnomAD is considered unreliable, as metrics indicate poor data quality at this position. To our knowledge, no occurrence of c.2452-13C>A in individuals affected with Idiopathic Generalized Epilepsy and no experimental evidence demonstrating its impact on protein function have been reported. No submitters have cited clinical-significance assessments for this variant to ClinVar. Based on the evidence outlined above, the variant was classified as likely benign.